The following is an entry in ClinVar:

NM_015021.3(ZNF292):c.6238C>T (p.Arg2080Trp)

Gene: ZNF292 (zinc finger protein 292; plus strand). Cytogenetic location: 6q14.3.
Variant type: single nucleotide variant.
Coding change: c.6238C>T on transcript NM_015021.3 (MANE Select); coding-DNA position 6238, C replaced by T.
Protein change: p.Arg2080Trp; replaces arginine 2080 with tryptophan.
Molecular consequence: missense variant.
Genome position (GRCh38, 1-based): chr6:87,259,867, C>T. VCF-style: chr6-87259867-C-T. GRCh37 (hg19) VCF-style: chr6-87969585-C-T.
Other names: c.5818C>T, p.Arg1940Trp (NM_001351444.2); short protein forms R1940W, R2080W.
Identifiers: ClinVar variation 4873204 (VCV004873204.2).
Genomic context (GRCh38, chr6:87,259,867, plus strand): 5'-ATTACAGTTACTTCAGAACAATGTAATACAAATGCACTCACAAACACACAAACCAAAGGA[C>T]GGAAGATTAGGAGGCATAAAAAAGAAAAGGAGGAGAAAAAACGAAAGAAGCCAGTTTCCC-3'
Protein context (NP_055836.1, residues 2070-2090): NALTNTQTKG[Arg2080Trp]KIRRHKKEKE

ClinVar aggregate classification (germline): Likely benign (1 of 4 stars; one submission).

gnomAD v4.1: 65 of 1,613,068 alleles (0.004%); highest among the groups gnomAD compares: Admixed American, 0.038%; no homozygotes.

Submission:

CeGaT Center for Human Genetics Tuebingen
Classification: Likely benign. Last evaluated: 2026-06-01. Review status: criteria provided, single submitter. Criteria: CeGaT Center For Human Genetics Tuebingen Variant Classification Criteria Version 2. Collection method: clinical testing. Allele origin: germline. Affected: yes. Observed: 1 variant allele.
Comment: ZNF292: BP4